The following is an entry in ClinVar:

ClinVar aggregate classification (germline): Uncertain significance. Review status: criteria provided, multiple submitters, no conflicts (2 of 4 stars). 3 submissions from 3 submitters: Uncertain significance (3). Last evaluated 2023-04-06.

Conditions:
Hypertrophic cardiomyopathy 9. Also called: Familial hypertrophic cardiomyopathy 9. Identifiers: MedGen C1861065, MONDO:0013412, OMIM 613765.
Tibial muscular dystrophy (TMD). Also called: UDD MYOPATHY; Tibial muscular dystrophy, tardive; Udd Distal Myopathy – Tibial Muscular Dystrophy. Identifiers: Orphanet 609, MedGen C1838244, MONDO:0010870, OMIM 600334.
Autosomal recessive limb-girdle muscular dystrophy type 2J (LGMDR10). Also called: MUSCULAR DYSTROPHY, LIMB-GIRDLE, AUTOSOMAL RECESSIVE 10; Limb-girdle muscular dystrophy, type 2J. Identifiers: Orphanet 140922, MedGen C1837342, MONDO:0012127, OMIM 608807.
Dilated cardiomyopathy 1G (CMD1G). Identifiers: Orphanet 154, MedGen C1858763, MONDO:0011400, OMIM 604145.
Early-onset myopathy with fatal cardiomyopathy (CMYO5). Also called: CONGENITAL MYOPATHY 5 WITH CARDIOMYOPATHY; Salih Myopathy. Identifiers: Orphanet 289377, MedGen C2673677, MONDO:0012714, OMIM 611705. Disease mechanism: loss of function.
Myopathy, myofibrillar, 9, with early respiratory failure (MFM9). Also called: MYOPATHY, PROXIMAL, WITH EARLY RESPIRATORY MUSCLE INVOLVEMENT; Myopathy, distal, with early respiratory failure, autosomal dominant; Hereditary myopathy with early respiratory failure; EDSTROM MYOPATHY. Identifiers: Orphanet 178464, Orphanet 34521, MedGen C1863599, MONDO:0011362, OMIM 603689.
Cardiovascular phenotype. Identifiers: MedGen CN230736.

Allele frequency attached by ClinVar (database versions not stated): gnomAD exomes 0.00002.
gnomAD v4.1: 13 of 1,607,162 alleles (0.00081%); highest among the groups gnomAD compares: Non-Finnish European, 0.0011%; no homozygotes.

Submissions (3):

GeneDx
Classification: Uncertain significance. Last evaluated: 2023-04-06. Review status: criteria provided, single submitter. Criteria: GeneDx Variant Classification Process June 2021. Collection method: clinical testing. Allele origin: germline. Affected: yes.
Comment: Not observed at significant frequency in large population cohorts (gnomAD); Missense variant in a gene in which most reported pathogenic variants are truncating/loss of function; Has not been previously published as pathogenic or benign to our knowledge; Located in the A-band region of TTN in which the majority of loss of function variants have been associated with autosomal dominant titinopathies (Herman et al., 2012)

Department of Pathology and Laboratory Medicine, Sinai Health System
Classification: Uncertain significance for Tibial muscular dystrophy; Myopathy, myofibrillar, 9, with early respiratory failure; Dilated cardiomyopathy 1G; Autosomal recessive limb-girdle muscular dystrophy type 2J; Early-onset myopathy with fatal cardiomyopathy; Hypertrophic cardiomyopathy 9. Last evaluated: 2022-01-17. Review status: criteria provided, single submitter. Criteria: ACMG Guidelines, 2015. Collection method: research. Allele origin: germline.

Ambry Genetics
Classification: Uncertain significance for Cardiovascular phenotype. Last evaluated: 2019-10-17. Review status: criteria provided, single submitter. Criteria: Ambry Variant Classification Scheme 2023. Collection method: clinical testing. Allele origin: germline.
Comment: The p.K19982R variant (also known as c.59945A>G), located in coding exon 155 of the TTN gene, results from an A to G substitution at nucleotide position 59945. The lysine at codon 19982 is replaced by arginine, an amino acid with highly similar properties. This amino acid position is well conserved in available vertebrate species. In addition, this alteration is predicted to be tolerated by in silico analysis. Since supporting evidence is limited at this time, the clinical significance of this alteration remains unclear.

NM_001267550.2(TTN):c.87140A>G (p.Lys29047Arg)

Genes: TTN (titin; minus strand), TTN-AS1 (TTN antisense RNA 1; plus strand). Cytogenetic location: 2q31.2.
Variant type: single nucleotide variant.
Coding change: c.87140A>G on transcript NM_001267550.2 (MANE Select); coding-DNA position 87140, A replaced by G.
Protein change: p.Lys29047Arg; replaces lysine 29047 with arginine.
Molecular consequence: missense variant.
Genome position (GRCh38, 1-based): chr2:178,558,214, T>C on the plus strand (A>G on the coding strand, the complement: TTN is on the minus strand). VCF-style: chr2-178558214-T-C. GRCh37 (hg19) VCF-style: chr2-179422941-T-C.
Other names: c.82217A>G, p.Lys27406Arg (NM_001256850.1); c.59945A>G, p.Lys19982Arg (NM_003319.4); c.79436A>G, p.Lys26479Arg (NM_133378.4); c.60320A>G, p.Lys20107Arg (NM_133432.3); c.60521A>G, p.Lys20174Arg (NM_133437.4); short protein forms K20107R, K29047R, K26479R, K27406R, K19982R, K20174R.
Identifiers: ClinVar variation 1750914 (VCV001750914.4), dbSNP rs2469560899, ClinGen allele CA349538223.
Genomic context (GRCh38, chr2:178,558,214, plus strand): 5'-GGAATGTCAACTTTAAGGTTTGAACCAGCTCTAACATATACAGTGTGACTTGGGAAATTC[T>C]TCATATCAATTTCAGGTGGTTCTGAAAAATGAGTATAGAAAGTGAAAGTGAAAAAGTGTT-3'
Protein context (NP_001254479.2, residues 29037-29057): EQLEPPEIDM[Lys29047Arg]NFPSHTVYVR